The following is an entry in ClinVar:

NM_001384732.1(CPLANE1):c.835-1G>A

Gene: CPLANE1 (ciliogenesis and planar polarity effector complex subunit 1; minus strand). Cytogenetic location: 5p13.2.
Variant type: single nucleotide variant.
Coding change: c.835-1G>A on transcript NM_001384732.1 (MANE Select); the canonical splice acceptor site of the intron before coding-DNA position 835, G replaced by A.
Molecular consequence: splice acceptor variant.
Genome position (GRCh38, 1-based): chr5:37,238,961, C>T on the plus strand (G>A on the coding strand, the complement: CPLANE1 is on the minus strand). VCF-style: chr5-37238961-C-T. GRCh37 (hg19) VCF-style: chr5-37239063-C-T.
Other names: c.835-1G>A (NM_023073.4).
Identifiers: ClinVar variation 4086588 (VCV004086588.1).

ClinVar aggregate classification (germline): Likely pathogenic (1 of 4 stars; one submission).

Submission:

GeneDx
Classification: Likely pathogenic. Last evaluated: 2025-03-18. Review status: criteria provided, single submitter. Criteria: GeneDx Variant Classification Process June 2021. Collection method: clinical testing. Allele origin: germline. Affected: yes.
Comment: Canonical splice site variant predicted to result in a null allele in a gene for which loss of function is a known mechanism of disease; Not observed at significant frequency in large population cohorts (gnomAD); Has not been previously published as pathogenic or benign to our knowledge